The following is an entry in ClinVar:

NM_003742.4(ABCB11):c.937C>A (p.Arg313Ser)

Gene: ABCB11 (ATP binding cassette subfamily B member 11; minus strand). Cytogenetic location: 2q31.1.
Variant type: single nucleotide variant.
Coding change: c.937C>A on transcript NM_003742.4 (MANE Select); coding-DNA position 937, C replaced by A.
Protein change: p.Arg313Ser; replaces arginine 313 with serine.
Molecular consequence: missense variant.
Genome position (GRCh38, 1-based): chr2:168,986,256, G>T on the plus strand (C>A on the coding strand, the complement: ABCB11 is on the minus strand). VCF-style: chr2-168986256-G-T. GRCh37 (hg19) VCF-style: chr2-169842766-G-T.
Other names: NM_003742.4:c.937C>A; short protein forms R313S.
Identifiers: ClinVar variation 3776873 (VCV003776873.2).

ClinVar aggregate classification (germline): Uncertain significance. Review status: criteria provided, multiple submitters, no conflicts (2 of 4 stars). 2 submissions from 2 submitters: Uncertain significance (2). Last evaluated 2026-04-14.

Conditions:
Familial intrahepatic cholestasis. Identifiers: Orphanet 284385, MedGen CN296401, MONDO:0017290.
Progressive familial intrahepatic cholestasis type 2. Identifiers: Orphanet 79304, MedGen C3489789, MONDO:0011156, OMIM 601847.

gnomAD v4.1: 18 of 1,612,744 alleles (0.0011%); highest among the groups gnomAD compares: Non-Finnish European, 0.0015%; no homozygotes.

Submissions (2):

Genomenon, Inc
Classification: Uncertain significance for Familial intrahepatic cholestasis. Last evaluated: 2026-04-14. Review status: criteria provided, single submitter. Criteria: Genomenon Sequence Variant Interpretation Standards - Updated. Collection method: curation. Allele origin: germline. Affected: yes.
Comment: ABCB11 p.Arg313Ser (c.937C>A) is a missense variant that changes the amino acid at residue 313 from Arginine to Serine. This variant has been observed in at least one proband with an ABCB11-related disorder (PMID:18395098). It has been observed in trans with a pathogenic or likely pathogenic variant (PMID:18395098). At least one splicing study demonstrated no effect on splicing (PMID:19101985). It is absent or not present at a significant frequency in gnomAD. In conclusion, we classify ABCB11 p.Arg313Ser (c.937C>A) as a variant of uncertain significance.

Broad Center for Mendelian Genomics, Broad Institute of MIT and Harvard
Classification: Uncertain significance for Progressive familial intrahepatic cholestasis type 2. Last evaluated: 2025-01-30. Review status: criteria provided, single submitter. Criteria: ACMG Guidelines, 2015. Collection method: curation. Allele origin: germline. Inheritance: Autosomal recessive inheritance.
Comment: The p.Arg313Ser variant in ABCB11 has been reported, in the compound heterozygous state, in one individual with BSEP deficiency (PMID: 18395098; CebecauerovaÃÅ 2010), and has been identified in 0.002% (18/1179498) of European (non-Finnish) chromosomes by the Genome Aggregation Database (gnomAD; dbSNP rs375087680). Although this variant has been seen in the general population in a heterozygous state, its frequency is low enough to be consistent with a recessive carrier frequency. Computational prediction tools and conservation analyses do not provide strong support for or against an impact to the protein. In summary, the clinical significance of the p.Arg313Ser variant is uncertain. ACMG/AMP Criteria applied: PM3, PM2_supporting (Richards 2015).

Literature cited by the submitters: PubMed 18395098 (cited by Genomenon, Inc); PubMed 19101985 (cited by Genomenon, Inc).